The following is an entry in ClinVar:

NM_000291.4(PGK1):c.488A>G (p.Asn163Ser)

Gene: PGK1 (phosphoglycerate kinase 1; plus strand). Cytogenetic location: Xq21.1.
Variant type: single nucleotide variant.
Coding change: c.488A>G on transcript NM_000291.4 (MANE Select); coding-DNA position 488, A replaced by G.
Protein change: p.Asn163Ser; replaces asparagine 163 with serine.
Molecular consequence: missense variant.
Genome position (GRCh38, 1-based): chrX:78,117,382, A>G. VCF-style: chrX-78117382-A-G. GRCh37 (hg19) VCF-style: chrX-77372879-A-G.
Other names: short protein forms N163S.
Identifiers: ClinVar variation 1991749 (VCV001991749.9), dbSNP rs185071030, ClinGen allele CA10459712.
Genomic context (GRCh38, chrX:78,117,382, plus strand): 5'-AGCCAGCCAAAATAGAAGCTTTCCGAGCTTCACTTTCCAAGCTAGGGGATGTCTATGTCA[A>G]TGATGCTTTTGGCACTGCTCACAGAGCCCACAGGTACCAAGAACCTTGTAGACTACCACA-3'
Protein context (NP_000282.1, residues 153-173): SLSKLGDVYV[Asn163Ser]DAFGTAHRAH

ClinVar aggregate classification (germline): Uncertain significance. Review status: criteria provided, multiple submitters, no conflicts (2 of 4 stars). 4 submissions from 4 submitters: Uncertain significance (4). Last evaluated 2026-02-01.

Conditions:
Glycogen storage disease due to phosphoglycerate kinase 1 deficiency. Also called: PHOSPHOGLYCERATE KINASE 1 DEFICIENCY WITH LEVO-DOPA-RESPONSIVE PARKINSONISM; PGK1 DEFICIENCY. Identifiers: Orphanet 713, MedGen C1970848, MONDO:0010392, OMIM 300653.

Allele frequency attached by ClinVar (database versions not stated): gnomAD 0.00001; TOPMed 0.00001; ExAC 0.00002; gnomAD exomes 0.00002; 1000 Genomes Project 30x 0.00021; 1000 Genomes Project 0.00026.

Submissions (4):

Labcorp Genetics (formerly Invitae), Labcorp
Classification: Uncertain significance. Last evaluated: 2026-02-01. Review status: criteria provided, single submitter. Criteria: Invitae Variant Classification Sherloc (09022015). Collection method: clinical testing. Allele origin: germline.
Comment: This sequence change replaces asparagine, which is neutral and polar, with serine, which is neutral and polar, at codon 163 of the PGK1 protein (p.Asn163Ser). This variant is present in population databases (rs185071030, gnomAD 0.008%), including at least one homozygous and/or hemizygous individual. This variant has not been reported in the literature in individuals affected with PGK1-related conditions. ClinVar contains an entry for this variant (Variation ID: 1991749). Invitae Evidence Modeling of protein sequence and biophysical properties (such as structural, functional, and spatial information, amino acid conservation, physicochemical variation, residue mobility, and thermodynamic stability) indicates that this missense variant is not expected to disrupt PGK1 protein function with a negative predictive value of 80%. In summary, the available evidence is currently insufficient to determine the role of this variant in disease. Therefore, it has been classified as a Variant of Uncertain Significance.

Fulgent Genetics
Classification: Uncertain significance for Glycogen storage disease due to phosphoglycerate kinase 1 deficiency. Last evaluated: 2024-02-27. Review status: criteria provided, single submitter. Criteria: ACMG Guidelines, 2015. Collection method: clinical testing. Allele origin: germline.

Women's Health and Genetics/Laboratory Corporation of America, LabCorp
Classification: Uncertain significance. Last evaluated: 2024-01-03. Review status: criteria provided, single submitter. Criteria: LabCorp Variant Classification Summary - May 2015. Collection method: clinical testing. Allele origin: germline.
Comment: Variant summary: PGK1 c.488A>G (p.Asn163Ser) results in a conservative amino acid change in the encoded protein sequence. Three of five in-silico tools predict a damaging effect of the variant on protein function. The variant allele was found at a frequency of 2.7e-05 in 183093 control chromosomes. The available data on variant occurrences in the general population are insufficient to allow any conclusion about variant significance. To our knowledge, no occurrence of c.488A>G in individuals affected with Glycogen Storage Disease Due To Phosphoglycerate Kinase 1 Deficiency and no experimental evidence demonstrating its impact on protein function have been reported. Two submitters have cited clinical-significance assessments for this variant to ClinVar after 2014. Both submitters classified the variant as uncertain significance. Based on the evidence outlined above, the variant was classified as uncertain significance.

Revvity Omics, Revvity
Classification: Uncertain significance for Glycogen storage disease due to phosphoglycerate kinase 1 deficiency. Last evaluated: 2022-11-15. Review status: criteria provided, single submitter. Criteria: ACMG Guidelines, 2015. Collection method: clinical testing. Allele origin: germline.